The following is an entry in ClinVar:

NM_001370298.3(FGD4):c.2610A>C (p.Lys870Asn)

Gene: FGD4 (FYVE, RhoGEF and PH domain containing 4; plus strand). Cytogenetic location: 12p11.21.
Variant type: single nucleotide variant.
Coding change: c.2610A>C on transcript NM_001370298.3 (MANE Select); coding-DNA position 2610, A replaced by C.
Protein change: p.Lys870Asn; replaces lysine 870 with asparagine.
Molecular consequence: missense variant.
Genome position (GRCh38, 1-based): chr12:32,640,431, A>C. VCF-style: chr12-32640431-A-C. GRCh37 (hg19) VCF-style: chr12-32793365-A-C.
Other names: c.2454A>C, p.Lys818Asn (NM_001304481.2); c.1167A>C, p.Lys389Asn (NM_001304484.2); c.1920A>C, p.Lys640Asn (NM_001330373.2, NM_001330374.2, NM_001384130.1); c.1647A>C, p.Lys549Asn (NM_001370297.1); c.2610A>C, p.Lys870Asn (NM_001384126.1); c.2199A>C, p.Lys733Asn (NM_001384127.1, NM_001384128.1, NM_001385118.1 and 1 more transcripts); short protein forms K733N, K818N, K389N, K640N, K549N, K870N.
Identifiers: ClinVar variation 543382 (VCV000543382.8), dbSNP rs770729087, ClinGen allele CA6507130.
Genomic context (GRCh38, chr12:32,640,431, plus strand): 5'-GTCTAAGTCCGTGCACAGCTTTGCTGCAGACAGTGAGGAACTGAAGCAGAAGTGGCTGAA[A>C]GTCATCCTTTTAGCTGTCACAGGTGAGACACCAGGTGGTCCAAATGAGCATCCAGCCACC-3'
Protein context (NP_001357227.2, residues 860-880): DSEELKQKWL[Lys870Asn]VILLAVTGET

ClinVar aggregate classification (germline): Uncertain significance (1 of 4 stars; one submission).

Conditions:
Charcot-Marie-Tooth disease type 4. Also called: Charcot-Marie-Tooth disease, type IV; Charcot-Marie-Tooth, Type 4. Identifiers: Orphanet 64749, MedGen C4082197, MONDO:0018995.

Allele frequency attached by ClinVar (database versions not stated): gnomAD 0.00001.
gnomAD v4.1: 14 of 1,614,028 alleles (0.00087%); highest among the groups gnomAD compares: Admixed American, 0.0017%; no homozygotes.

Submission:

Labcorp Genetics (formerly Invitae), Labcorp
Classification: Uncertain significance for Charcot-Marie-Tooth disease type 4. Last evaluated: 2021-08-31. Review status: criteria provided, single submitter. Criteria: Invitae Variant Classification Sherloc (09022015). Collection method: clinical testing. Allele origin: germline.
Comment: This sequence change replaces lysine with asparagine at codon 733 of the FGD4 protein (p.Lys733Asn). The lysine residue is highly conserved and there is a moderate physicochemical difference between lysine and asparagine. This variant is present in population databases (rs770729087, ExAC 0.003%). This variant has not been reported in the literature in individuals affected with FGD4-related conditions. Algorithms developed to predict the effect of missense changes on protein structure and function are either unavailable or do not agree on the potential impact of this missense change (SIFT: "Deleterious"; PolyPhen-2: "Benign"; Align-GVGD: "Class C65"). In summary, the available evidence is currently insufficient to determine the role of this variant in disease. Therefore, it has been classified as a Variant of Uncertain Significance.